The following is an entry in ClinVar:

ClinVar aggregate classification (germline): Pathogenic/Likely pathogenic. Review status: criteria provided, multiple submitters, no conflicts (2 of 4 stars). 2 submissions from 2 submitters: Pathogenic (1); Likely pathogenic (1). Last evaluated 2024-04-23.

Conditions:
Deficiency of hyaluronoglucosaminidase (MPS9). Also called: MPS IX; Mucopolysaccharidosis type 9; HYALURONIDASE DEFICIENCY. Identifiers: Orphanet 67041, MedGen C1291490, MONDO:0011093, OMIM 601492.

Submissions (2):

Fulgent Genetics
Classification: Likely pathogenic for Deficiency of hyaluronoglucosaminidase. Last evaluated: 2024-04-23. Review status: criteria provided, single submitter. Criteria: ACMG Guidelines, 2015. Collection method: clinical testing. Allele origin: germline.

Labcorp Genetics (formerly Invitae), Labcorp
Classification: Pathogenic for Deficiency of hyaluronoglucosaminidase. Last evaluated: 2021-08-20. Review status: criteria provided, single submitter. Criteria: Invitae Variant Classification Sherloc (09022015). Collection method: clinical testing. Allele origin: germline.
Comment: For these reasons, this variant has been classified as Pathogenic. This variant has not been reported in the literature in individuals affected with HYAL1-related conditions. This variant is not present in population databases (ExAC no frequency). This sequence change creates a premature translational stop signal (p.Gly224Alafs*12) in the HYAL1 gene. It is expected to result in an absent or disrupted protein product. Loss-of-function variants in HYAL1 are known to be pathogenic (PMID: 10339581, 21559944).

Literature cited by the submitters: PubMed 10339581 (cited by Labcorp Genetics (formerly Invitae), Labcorp); PubMed 21559944 (cited by Labcorp Genetics (formerly Invitae), Labcorp).

NM_033159.4(HYAL1):c.663_670dup (p.Gly224fs)

Gene: HYAL1 (hyaluronidase 1; minus strand). Cytogenetic location: 3p21.31.
Variant type: Duplication.
Coding change: c.663_670dup on transcript NM_033159.4 (MANE Select); coding-DNA positions 663 to 670, 8 bases duplicated (CCCATCAG; older notation c.663_670dupCCCATCAG).
Protein change: p.Gly224fs; shifts the reading frame from glycine 224.
Molecular consequence: frameshift variant. On other transcripts: non-coding transcript variant (1), intron variant (1).
Genome position (GRCh38, 1-based): chr3:50,302,287-50,302,294, CTGATGGG duplicated on the plus strand (CCCATCAG on the coding strand, the reverse complement: HYAL1 is on the minus strand); duplicating any 8 consecutive bases within chr3:50,302,287-50,302,295 gives the same sequence; the c. name uses the placement nearest the transcript's 3' end. VCF-style (leftmost placement, unchanged base first): chr3-50302286-C-CCTGATGGG. GRCh37 (hg19) VCF-style: chr3-50339717-C-CCTGATGGG.
Other names: c.663_670dup, p.Gly224fs (NM_153281.2, NM_153282.3); c.117_124dup, p.Gly42fs (NM_153283.3); c.-26-89_-26-82dup (NM_153285.3); c.663_670dup (NM_153281.1); short protein forms G224fs, G42fs.
Identifiers: ClinVar variation 1402860 (VCV001402860.7), dbSNP rs1702197212, ClinGen allele CA1047827471.